The following is an entry in ClinVar:

ClinVar aggregate classification (germline): Uncertain significance (1 of 4 stars; one submission).

Conditions:
DYRK1A-related intellectual disability syndrome (MRD7). Also called: DYRK1A Syndrome; Intellectual developmental disorder, autosomal dominant 7. Identifiers: Orphanet 464306, MedGen C5568143, MONDO:0013578, OMIM 614104.

Submission:

Labcorp Genetics (formerly Invitae), Labcorp
Classification: Uncertain significance for DYRK1A-related intellectual disability syndrome. Last evaluated: 2025-08-11. Review status: criteria provided, single submitter. Criteria: Invitae Variant Classification Sherloc (09022015). Collection method: clinical testing. Allele origin: germline.
Comment: This sequence change replaces histidine, which is basic and polar, with arginine, which is basic and polar, at codon 617 of the DYRK1A protein (p.His617Arg). This variant is not present in population databases (gnomAD no frequency). This variant has not been reported in the literature in individuals affected with DYRK1A-related conditions. Invitae Evidence Modeling of protein sequence and biophysical properties (such as structural, functional, and spatial information, amino acid conservation, physicochemical variation, residue mobility, and thermodynamic stability) indicates that this missense variant is not expected to disrupt DYRK1A protein function with a negative predictive value of 95%. In summary, the available evidence is currently insufficient to determine the role of this variant in disease. Therefore, it has been classified as a Variant of Uncertain Significance.

NM_001347721.2(DYRK1A):c.1823A>G (p.His608Arg)

Gene: DYRK1A (dual specificity tyrosine phosphorylation regulated kinase 1A; plus strand). Cytogenetic location: 21q22.13.
Variant type: single nucleotide variant.
Coding change: c.1823A>G on transcript NM_001347721.2 (MANE Select); coding-DNA position 1823, A replaced by G.
Protein change: p.His608Arg; replaces histidine 608 with arginine.
Molecular consequence: missense variant. On other transcripts: 3 prime UTR variant (2).
Genome position (GRCh38, 1-based): chr21:37,512,089, A>G. VCF-style: chr21-37512089-A-G. GRCh37 (hg19) VCF-style: chr21-38884392-A-G.
Other names: c.*226A>G (NM_101395.2); c.1823A>G, p.His608Arg (NM_130436.2, NM_001347722.2); c.*135A>G (NM_130438.2); c.1736A>G, p.His579Arg (NM_001347723.2); c.1850A>G, p.His617Arg (NM_001396.5); short protein forms H608R, H579R, H617R.
Identifiers: ClinVar variation 4747401 (VCV004747401.1).
Genomic context (GRCh38, chr21:37,512,089, plus strand): 5'-CATTGCATCATCACCATGGTAACAGTTCCCATCACCATCACCACCACCACCACCATCACC[A>G]CCACCATGGACAACAAGCCTTGGGTAACCGGACCAGGCCAAGGGTCTACAATTCTCCAAC-3'
Protein context (NP_001334650.1, residues 598-618): HHHHHHHHHH[His608Arg]HHGQQALGNR